The following is an entry in ClinVar:

ClinVar aggregate classification (germline): Uncertain significance. Review status: criteria provided, multiple submitters, no conflicts (2 of 4 stars). 2 submissions from 2 submitters: Uncertain significance (2). Last evaluated 2025-11-20.

Conditions:
Hereditary cancer-predisposing syndrome. Also called: Hereditary neoplastic syndrome; Tumor predisposition; Hereditary Cancer Syndrome; Neoplastic Syndromes, Hereditary. Identifiers: Orphanet 140162, MedGen C0027672, MeSH D009386, MONDO:0015356.
Hereditary breast ovarian cancer syndrome. Also called: Hereditary breast and ovarian cancer syndrome; Hereditary breast and/or ovarian cancer syndrome; BRCA1- and BRCA2-Associated Hereditary Breast and Ovarian Cancer; Hereditary breast and ovarian cancer; Breast and ovarian cancer; Hereditary breast and ovarian cancer syndrome (HBOC). Identifiers: Orphanet 145, MedGen C0677776, MeSH D061325, MONDO:0003582. Disease mechanism: loss of function.

gnomAD v4.1: 3 of 1,613,914 alleles (0.00019%); highest among the groups gnomAD compares: East Asian, 0.0045%; no homozygotes.

Submissions (2):

Ambry Genetics
Classification: Uncertain significance for Hereditary cancer-predisposing syndrome. Last evaluated: 2025-11-20. Review status: criteria provided, single submitter. Criteria: Ambry Variant Classification Scheme 2023. Collection method: clinical testing. Allele origin: germline.
Comment: The p.P1150R variant (also known as c.3449C>G), located in coding exon 9 of the BRCA1 gene, results from a C to G substitution at nucleotide position 3449. The proline at codon 1150 is replaced by arginine, an amino acid with dissimilar properties. This amino acid position is highly conserved in available vertebrate species. In addition, this alteration is predicted to be deleterious by in silico analysis. Based on the available evidence, the clinical significance of this variant remains unclear.

Labcorp Genetics (formerly Invitae), Labcorp
Classification: Uncertain significance for Hereditary breast ovarian cancer syndrome. Last evaluated: 2025-01-03. Review status: criteria provided, single submitter. Criteria: Invitae Variant Classification Sherloc (09022015). Collection method: clinical testing. Allele origin: germline.
Comment: This sequence change replaces proline, which is neutral and non-polar, with arginine, which is basic and polar, at codon 1150 of the BRCA1 protein (p.Pro1150Arg). This variant is not present in population databases (gnomAD no frequency). This missense change has been observed in individual(s) with breast and/or ovarian cancer (PMID: 29176636, 29470806). Invitae Evidence Modeling of protein sequence and biophysical properties (such as structural, functional, and spatial information, amino acid conservation, physicochemical variation, residue mobility, and thermodynamic stability) indicates that this missense variant is expected to disrupt BRCA1 protein function with a positive predictive value of 80%. In summary, the available evidence is currently insufficient to determine the role of this variant in disease. Therefore, it has been classified as a Variant of Uncertain Significance.

Literature cited by the submitters: PubMed 29176636 (cited by Labcorp Genetics (formerly Invitae), Labcorp); PubMed 29470806 (cited by Labcorp Genetics (formerly Invitae), Labcorp).

NM_007294.4(BRCA1):c.3449C>G (p.Pro1150Arg)

Genes: BRCA1 (BRCA1 DNA repair associated; minus strand), LOC126862571 (BRD4-independent group 4 enhancer GRCh37_chr17:41243136-41244335; plus strand). Cytogenetic location: 17q21.31.
Variant type: single nucleotide variant.
Coding change: c.3449C>G on transcript NM_007294.4 (MANE Select); coding-DNA position 3449, C replaced by G.
Protein change: p.Pro1150Arg; replaces proline 1150 with arginine.
Molecular consequence: missense variant. On other transcripts: intron variant (135).
Genome position (GRCh38, 1-based): chr17:43,092,082, G>C on the plus strand (C>G on the coding strand, the complement: BRCA1 is on the minus strand). VCF-style: chr17-43092082-G-C. GRCh37 (hg19) VCF-style: chr17-41244099-G-C.
Other names: c.3305C>G, p.Pro1102Arg (NM_001407943.1, NM_001407964.1, NM_001407740.1 and 20 more transcripts); c.3308C>G, p.Pro1103Arg (NM_001407944.1, NM_001407945.1, NM_007297.4 and 29 more transcripts); c.3116C>G, p.Pro1039Arg (NM_001407946.1, NM_001407947.1, NM_001407948.1 and 6 more transcripts); c.3113C>G, p.Pro1038Arg (NM_001407954.1, NM_001407955.1, NM_001407956.1 and 1 more transcripts); c.3068C>G, p.Pro1023Arg (NM_001407959.1, NM_001407960.1, NM_001407963.1); c.3065C>G, p.Pro1022Arg (NM_001407962.1); c.2945C>G, p.Pro982Arg (NM_001407965.1); c.2561C>G, p.Pro854Arg (NM_001407966.1, NM_001407967.1); and 41 more; short protein forms P1022R, P1038R, P1061R, P282R, P854R, P1023R, P1080R, P1082R.
Identifiers: ClinVar variation 3704478 (VCV003704478.3).